The following is an entry in ClinVar:

ClinVar aggregate classification (germline): Uncertain significance (1 of 4 stars; one submission).

Conditions:
Progressive myoclonic epilepsy type 7. Identifiers: Orphanet 435438, MedGen C4015420, MONDO:0014521, OMIM 616187.

Submission:

Labcorp Genetics (formerly Invitae), Labcorp
Classification: Uncertain significance for Progressive myoclonic epilepsy type 7. Last evaluated: 2025-08-05. Review status: criteria provided, single submitter. Criteria: Invitae Variant Classification Sherloc (09022015). Collection method: clinical testing. Allele origin: germline.
Comment: This sequence change replaces isoleucine, which is neutral and non-polar, with phenylalanine, which is neutral and non-polar, at codon 387 of the KCNC1 protein (p.Ile387Phe). This variant is not present in population databases (gnomAD no frequency). This variant has not been reported in the literature in individuals affected with KCNC1-related conditions. Invitae Evidence Modeling of protein sequence and biophysical properties (such as structural, functional, and spatial information, amino acid conservation, physicochemical variation, residue mobility, and thermodynamic stability) indicates that this missense variant is expected to disrupt KCNC1 protein function with a positive predictive value of 80%. In summary, the available evidence is currently insufficient to determine the role of this variant in disease. Therefore, it has been classified as a Variant of Uncertain Significance.

NM_001112741.2(KCNC1):c.1159A>T (p.Ile387Phe)

Gene: KCNC1 (potassium voltage-gated channel subfamily C member 1; plus strand). Cytogenetic location: 11p15.1.
Variant type: single nucleotide variant.
Coding change: c.1159A>T on transcript NM_001112741.2 (MANE Select); coding-DNA position 1159, A replaced by T.
Protein change: p.Ile387Phe; replaces isoleucine 387 with phenylalanine.
Molecular consequence: missense variant.
Genome position (GRCh38, 1-based): chr11:17,772,253, A>T. VCF-style: chr11-17772253-A-T. GRCh37 (hg19) VCF-style: chr11-17793800-A-T.
Other names: c.1159A>T, p.Ile387Phe (NM_004976.4); short protein forms I387F.
Identifiers: ClinVar variation 4746634 (VCV004746634.1).